The following is an entry in ClinVar:

NM_001111.5(ADAR):c.2563C>G (p.Leu855Val)

Genes: ADAR (adenosine deaminase RNA specific; minus strand), LOC126805874 (CDK7 strongly-dependent group 2 enhancer GRCh37_chr1:154561176-154562375; plus strand). Cytogenetic location: 1q21.3.
Variant type: single nucleotide variant.
Coding change: c.2563C>G on transcript NM_001111.5 (MANE Select); coding-DNA position 2563, C replaced by G.
Protein change: p.Leu855Val; replaces leucine 855 with valine.
Molecular consequence: missense variant.
Genome position (GRCh38, 1-based): chr1:154,589,862, G>C on the plus strand (C>G on the coding strand, the complement: ADAR is on the minus strand). VCF-style: chr1-154589862-G-C. GRCh37 (hg19) VCF-style: chr1-154562338-G-C.
Other names: c.2428C>G, p.Leu810Val (NM_015841.4); c.1678C>G, p.Leu560Val (NM_001025107.3, NM_001193495.2, NM_001365046.1 and 2 more transcripts); c.2590C>G, p.Leu864Val (NM_001365045.1); c.1600C>G, p.Leu534Val (NM_001365049.1); c.2485C>G, p.Leu829Val (NM_015840.4); short protein forms L534V, L560V, L864V, L810V, L829V, L855V.
Identifiers: ClinVar variation 2114509 (VCV002114509.4), dbSNP rs2526514404, ClinGen allele CA342636966.

ClinVar aggregate classification (germline): Uncertain significance (1 of 4 stars; one submission).

Conditions:
Symmetrical dyschromatosis of extremities (DSH). Also called: Dyschromatosis symmetrica hereditaria; RETICULATE ACROPIGMENTATION OF DOHI; SYMMETRIC DYSCHROMATOSIS OF THE EXTREMITIES; DYSCHROMATOSIS SYMMETRICA HEREDITARIA 1. Identifiers: Orphanet 41, MedGen C0406775, MONDO:0007483, OMIM 127400.
Aicardi-Goutieres syndrome 6 (AGS6). Identifiers: Orphanet 51, MedGen C3539013, MONDO:0014007, OMIM 615010.

Submission:

Labcorp Genetics (formerly Invitae), Labcorp
Classification: Uncertain significance for Aicardi-Goutieres syndrome 6; Symmetrical dyschromatosis of extremities. Last evaluated: 2022-03-19. Review status: criteria provided, single submitter. Criteria: Invitae Variant Classification Sherloc (09022015). Collection method: clinical testing. Allele origin: germline.
Comment: In summary, the available evidence is currently insufficient to determine the role of this variant in disease. Therefore, it has been classified as a Variant of Uncertain Significance. Algorithms developed to predict the effect of missense changes on protein structure and function are either unavailable or do not agree on the potential impact of this missense change (SIFT: "Deleterious"; PolyPhen-2: "Possibly Damaging"; Align-GVGD: "Class C0"). This variant has not been reported in the literature in individuals affected with ADAR-related conditions. This variant is not present in population databases (gnomAD no frequency). This sequence change replaces leucine, which is neutral and non-polar, with valine, which is neutral and non-polar, at codon 855 of the ADAR protein (p.Leu855Val).